The following is an entry in ClinVar:

ClinVar aggregate classification (germline): Uncertain significance (1 of 4 stars; one submission).

gnomAD v4.1: 1 of 1,209,619 alleles (0.000083%); highest among the groups gnomAD compares: African/African-American, 0.0017%; no homozygotes.

Submission:

Women's Health and Genetics/Laboratory Corporation of America, LabCorp
Classification: Uncertain significance. Last evaluated: 2024-12-11. Review status: criteria provided, single submitter. Criteria: LabCorp Variant Classification Summary - May 2015. Collection method: clinical testing. Allele origin: germline.
Comment: Variant summary: IQSEC2 c.1666C>T (p.Pro556Ser) results in a non-conservative amino acid change in the encoded protein sequence. Four of five in-silico tools predict a benign effect of the variant on protein function. The variant was absent in 180152 control chromosomes. The available data on variant occurrences in the general population are insufficient to allow any conclusion about variant significance. To our knowledge, no occurrence of c.1666C>T in individuals affected with Intellectual Disability, X-Linked 1 and no experimental evidence demonstrating its impact on protein function have been reported. No submitters have cited clinical-significance assessments for this variant to ClinVar. Based on the evidence outlined above, the variant was classified as uncertain significance.

NM_001111125.3(IQSEC2):c.1666C>T (p.Pro556Ser)

Gene: IQSEC2 (IQ motif and Sec7 domain ArfGEF 2; minus strand). Cytogenetic location: Xp11.22.
Variant type: single nucleotide variant.
Coding change: c.1666C>T on transcript NM_001111125.3 (MANE Select); coding-DNA position 1666, C replaced by T.
Protein change: p.Pro556Ser; replaces proline 556 with serine.
Molecular consequence: missense variant.
Genome position (GRCh38, 1-based): chrX:53,250,910, G>A on the plus strand (C>T on the coding strand, the complement: IQSEC2 is on the minus strand). VCF-style: chrX-53250910-G-A. GRCh37 (hg19) VCF-style: chrX-53280092-G-A.
Other names: c.1666C>T, p.Pro556Ser (NM_001410736.1); c.1051C>T, p.Pro351Ser (NM_015075.2); short protein forms P351S, P556S.
Identifiers: ClinVar variation 3768110 (VCV003768110.1).